The following is an entry in ClinVar:

ClinVar aggregate classification (germline): Uncertain significance (1 of 4 stars; one submission).

Allele frequency attached by ClinVar (database versions not stated): gnomAD exomes below 0.00001.
gnomAD v4.1: 1 of 1,613,852 alleles (0.000062%); highest among the groups gnomAD compares: Admixed American, 0.0017%; no homozygotes.

Submission:

GeneDx
Classification: Uncertain significance. Last evaluated: 2026-10-10. Review status: criteria provided, single submitter. Criteria: GeneDx Variant Classification Process June 2021. Collection method: clinical testing. Allele origin: germline.
Comment: Not observed at significant frequency in large population cohorts (gnomAD); In silico analysis suggests that this missense variant does not alter protein structure/function; Has not been previously published as pathogenic or benign to our knowledge

NM_004370.6(COL12A1):c.4771G>A (p.Gly1591Arg)

Gene: COL12A1 (collagen type XII alpha 1 chain; minus strand). Cytogenetic location: 6q13.
Variant type: single nucleotide variant.
Coding change: c.4771G>A on transcript NM_004370.6 (MANE Select); coding-DNA position 4771, G replaced by A.
Protein change: p.Gly1591Arg; replaces glycine 1591 with arginine.
Molecular consequence: missense variant.
Genome position (GRCh38, 1-based): chr6:75,143,308, C>T on the plus strand (G>A on the coding strand, the complement: COL12A1 is on the minus strand). VCF-style: chr6-75143308-C-T. GRCh37 (hg19) VCF-style: chr6-75853024-C-T.
Other names: c.1279G>A, p.Gly427Arg (NM_080645.3); short protein forms G1591R, G427R.
Identifiers: ClinVar variation 1712618 (VCV001712618.3), dbSNP rs2533345772, ClinGen allele CA364742092.
Genomic context (GRCh38, chr6:75,143,308, plus strand): 5'-CTACCTCTTTGACATCCTCTTCTGGTGTTTTGTATCGAACAATATATTTACGCACTTTTC[C>T]AGGCACAGGTTCCCAAAAGACATTCATAGTGCTGTGAGTCACATCTCTGAGTTTCAGATC-3'
Protein context (NP_004361.3, residues 1581-1601): TMNVFWEPVP[Gly1591Arg]KVRKYIVRYK